The following is an entry in ClinVar:

ClinVar aggregate classification (germline): Pathogenic (1 of 4 stars; one submission).

Conditions:
Loeys-Dietz syndrome 4 (LDS4). Also called: TGFB2-Related Loeys-Dietz Syndrome; ANEURYSM, AORTIC AND CEREBRAL, WITH ARTERIAL TORTUOSITY AND SKELETAL MANIFESTATIONS. Identifiers: MedGen C3553762, MONDO:0013897, OMIM 614816.

Submission:

Labcorp Genetics (formerly Invitae), Labcorp
Classification: Pathogenic for Loeys-Dietz syndrome 4. Last evaluated: 2024-05-23. Review status: criteria provided, single submitter. Criteria: Invitae Variant Classification Sherloc (09022015). Collection method: clinical testing. Allele origin: germline.
Comment: This sequence change creates a premature translational stop signal (p.Glu292Serfs*39) in the TGFB2 gene. It is expected to result in an absent or disrupted protein product. Loss-of-function variants in TGFB2 are known to be pathogenic (PMID: 22772368, 22772371, 30739908). This variant is not present in population databases (gnomAD no frequency). This variant has not been reported in the literature in individuals affected with TGFB2-related conditions. Algorithms developed to predict the effect of sequence changes on RNA splicing suggest that this variant may disrupt the consensus splice site. For these reasons, this variant has been classified as Pathogenic.

Literature cited by the submitters: PubMed 22772368; PubMed 22772371; PubMed 30739908.

NM_003238.6(TGFB2):c.874del (p.Glu292fs)

Gene: TGFB2 (transforming growth factor beta 2; plus strand). Cytogenetic location: 1q41.
Variant type: Deletion.
Coding change: c.874del on transcript NM_003238.6 (MANE Select); coding-DNA position 874, one base deleted (G; older notation c.874delG).
Protein change: p.Glu292fs; shifts the reading frame from glutamic acid 292.
Molecular consequence: frameshift variant. On other transcripts: non-coding transcript variant (2).
Genome position (GRCh38, 1-based): chr1:218,436,089, G deleted. VCF-style (leftmost placement, unchanged base first): chr1-218436088-TG-T. GRCh37 (hg19) VCF-style: chr1-218609430-TG-T.
Other names: c.958del, p.Glu320fs (NM_001135599.4); short protein forms E292fs, E320fs.
Identifiers: ClinVar variation 3654433 (VCV003654433.2).
Genomic context (GRCh38, chr1:218,436,088, plus strand): 5'-GAAAAAAAACAGTGGGAAGACCCCACATCTCCTGCTAATGTTATTGCCCTCCTACAGACT[TG>T]AGTCACAACAGACCAACCGGCGGAAGAAGCGTGCTTTGGATGCGGCCTATTGCTTTAGGT-3'